The following is an entry in ClinVar:

ClinVar aggregate classification (germline): Likely benign. Review status: reviewed by expert panel (3 of 4 stars). 14 submissions from 14 submitters: Likely benign (1). 13 of the submissions do not count toward it. Last evaluated 2026-06-19.

Conditions:
ATM-related disorder. Also called: ATM-related disorders; ATM-related condition.
ATM-related cancer predisposition. Also called: ATM-related cancer susceptibility. Identifiers: MedGen CN377759, MONDO:0700270.
Hereditary cancer-predisposing syndrome. Also called: Neoplastic Syndromes, Hereditary; Tumor predisposition; Hereditary Cancer Syndrome; Hereditary neoplastic syndrome. Identifiers: Orphanet 140162, MedGen C0027672, MeSH D009386, MONDO:0015356.
Ataxia-telangiectasia syndrome (AT). Also called: LOUIS-BAR SYNDROME; Cerebello-oculocutaneous telangiectasia; Immunodeficiency with ataxia telangiectasia; Ataxia-telangiectasia, complementation group D; Ataxia-telangiectasia, complementation group E; Ataxia telangiectasia (A-T). Identifiers: Orphanet 100, MedGen C0004135, MONDO:0008840, OMIM 208900.
Familial cancer of breast. Also called: hereditary breast carcinoma; Hereditary breast cancer; BREAST CANCER, FAMILIAL. Identifiers: Orphanet 227535, MedGen C0346153, MONDO:0016419, OMIM 114480. Disease mechanism: loss of function.

Allele frequency attached by ClinVar (database versions not stated): gnomAD 0.00003 and 0.00004; TOPMed 0.00003; ExAC 0.00008; gnomAD exomes 0.00008; 1000 Genomes Project 30x 0.00016; 1000 Genomes Project 0.00020.

Submissions (14):

ClinGen Hereditary Breast, Ovarian and Pancreatic Cancer Variant Curation Expert Panel, ClinGen
Classification: Likely benign for ATM-related cancer predisposition. Last evaluated: 2026-06-19. Review status: reviewed by expert panel. Criteria: ClinGen HBOP ACMG Specifications ATM V1.5.0. Collection method: curation. Allele origin: germline. Inheritance: Autosomal dominant inheritance.
Comment: The c.275A>C variant in ATM is a missense variant predicted to cause substitution of lysine by threonine at amino acid 92 (p.Lys92Thr). The total GrpMax filtering allele frequency in gnomAD v4.1.1 is 0.0005574 from the East Asian genetic ancestry group (the lower threshold of the 95% CI of 34/44834 alleles), which is higher than the ClinGen HBOP VCEP threshold (>0.0005) for BS1, and therefore meets this criterion. The computational predictor REVEL gives a score of 0.379, which is neither above nor below the thresholds predicting a damaging or benign impact on ATM function. In summary, this variant meets the criteria to be classified as a likely benign variant for autosomal dominant ATM-related cancer predisposition and autosomal recessive Ataxia-Telangiectasia based on the ACMG/AMP criteria applied, as specified by the HBOP VCEP. (BS1)

Labcorp Genetics (formerly Invitae), Labcorp
Classification: Likely benign for Ataxia-telangiectasia syndrome. Last evaluated: 2026-01-26. Review status: criteria provided, single submitter. Criteria: Invitae Variant Classification Sherloc (09022015). Collection method: clinical testing. Allele origin: germline. Not counted in ClinVar's aggregate classification.

PreventionGenetics, part of Exact Sciences
Classification: Likely benign for ATM-related condition. Last evaluated: 2025-09-15. Review status: criteria provided, single submitter. Criteria: ACMG Guidelines, 2015. Collection method: clinical testing. Allele origin: germline. Not counted in ClinVar's aggregate classification.
Comment: This variant is classified as likely benign based on ACMG/AMP sequence variant interpretation guidelines (Richards et al. 2015 PMID: 25741868, with internal and published modifications).

Color Diagnostics, LLC DBA Color Health
Classification: Uncertain significance for Hereditary cancer-predisposing syndrome. Last evaluated: 2024-10-10. Review status: criteria provided, single submitter. Criteria: ACMG Guidelines, 2015. Collection method: clinical testing. Allele origin: germline. Not counted in ClinVar's aggregate classification.
Comment: This missense variant replaces lysine with threonine at codon 92 of the ATM protein. Computational prediction suggests that this variant may not impact protein structure and function. To our knowledge, functional studies have not been performed for this variant. The variant has been reported in 5/7051 breast cancer cases and 8/11241 unaffected controls in a Japanese population (PMID 30287823). This variant has also been identified exclusively in the east asian population (19/18844 chromosomes) by the Genome Aggregation Database (gnomAD), suggesting it is an east asian polymorphism. The available evidence is insufficient to determine the role of this variant in disease conclusively. Therefore, this variant is classified as a Variant of Uncertain Significance.

Women's Health and Genetics/Laboratory Corporation of America, LabCorp
Classification: Likely benign. Last evaluated: 2024-10-07. Review status: criteria provided, single submitter. Criteria: LabCorp Variant Classification Summary - May 2015. Collection method: clinical testing. Allele origin: germline. Not counted in ClinVar's aggregate classification.
Comment: Variant summary: ATM c.275A>C (p.Lys92Thr) results in a non-conservative amino acid change located in the Telomere-length maintenance and DNA damage repair domain (IPR021668) of the encoded protein sequence. Three of five in-silico tools predict a damaging effect of the variant on protein function. The variant allele was found at a frequency of 7.6e-05 in 251078 control chromosomes, predominantly at a frequency of 0.001 within the East Asian subpopulation in the gnomAD database. This frequency is similar to the maximal expected allele frequency for a disease causing allele in ATM gene (0.001), suggesting that this variant may represent a rare ethnic polymorphism. c.275A>C has been reported not to be enriched in individuals affected with Breast Cancer (example, Okawa_2023). These report(s) do not provide unequivocal conclusions about association of the variant with Breast Cancer. To our knowledge, no experimental evidence demonstrating an impact on protein function has been reported. The following publications has been ascertained in the context of this evaluation (PMID: , 36243179). ClinVar contains an entry for this variant (Variation ID: 133625). Based on the evidence outlined above, the variant was classified as likely benign.

Baylor Genetics
Classification: Likely benign for Familial cancer of breast. Last evaluated: 2023-09-28. Review status: criteria provided, single submitter. Criteria: ACMG Guidelines, 2015. Collection method: clinical testing. Allele origin: unknown. Not counted in ClinVar's aggregate classification.

Department of Pathology and Laboratory Medicine, Sinai Health System
Classification: Uncertain significance for Familial cancer of breast. Last evaluated: 2022-04-07. Review status: criteria provided, single submitter. Criteria: ACMG Guidelines, 2015. Collection method: clinical testing. Allele origin: germline. Affected: yes. Not counted in ClinVar's aggregate classification.

Sema4
Classification: Uncertain significance for Hereditary cancer-predisposing syndrome. Last evaluated: 2021-09-15. Review status: criteria provided, single submitter. Criteria: Sema4 Curation Guidelines. Collection method: curation. Allele origin: germline. Not counted in ClinVar's aggregate classification.
Comment: The ATM c.275A>C (p.K92T) variant has been reported in heterozygosity in at least several individuals with breast cancer (PMID: 28580595, 30093976, 30287823). It has also been seen in numerous individuals unselected for a personal or family history of cancer (PMID: 24728327, 30287823, 32980694). It was observed in 20/19928 chromosomes of the East Asian subpopulation, with no homozygotes, in the large and broad cohorts of the Genome Aggregation Database (PMID: 32461654). The variant has been reported in ClinVar (Variation ID 133625). Functional studies have not been performed, and in silico predictions of the variant's effect on protein function are inconclusive. The evidence is insufficient to meet ACMG/AMP criteria for classifying the variant as benign or pathogenic. Thus, the clinical significance of this variant is currently uncertain.

Ambry Genetics
Classification: Likely benign for Hereditary cancer-predisposing syndrome. Last evaluated: 2021-07-30. Review status: criteria provided, single submitter. Criteria: Ambry Variant Classification Scheme 2023. Collection method: clinical testing. Allele origin: germline. Not counted in ClinVar's aggregate classification.

Fulgent Genetics
Classification: Uncertain significance for Familial cancer of breast; Ataxia-telangiectasia syndrome. Last evaluated: 2018-10-31. Review status: criteria provided, single submitter. Criteria: ACMG Guidelines, 2015. Collection method: clinical testing. Allele origin: unknown. Not counted in ClinVar's aggregate classification.

Illumina Laboratory Services, Illumina
Classification: Uncertain significance for Ataxia-telangiectasia syndrome. Last evaluated: 2018-01-13. Review status: criteria provided, single submitter. Criteria: ICSL Variant Classification Criteria 13 December 2019. Collection method: clinical testing. Allele origin: germline. Not counted in ClinVar's aggregate classification.

GeneDx
Classification: Uncertain significance. Last evaluated: 2017-12-26. Review status: criteria provided, single submitter. Criteria: GeneDx Variant Classification (06012015). Collection method: clinical testing. Allele origin: germline. Affected: yes. Not counted in ClinVar's aggregate classification.
Comment: This variant is denoted ATM c.275A>C at the cDNA level, p.Lys92Thr (K92T) at the protein level, and results in the change of a Lysine to a Threonine (AAA>ACA). This variant was also identified in 1/62 healthy East Asian individuals undergoing whole genome sequencing (Bodian 2014). ATM Lys92Thr was observed at an allele frequency of 0.11% (19/18,844) in individuals of East Asian ancestry in large population cohorts (Lek 2016). ATM Lys92Thr is located in region of interaction with p53 & BRCA1 (Stracker 2013). In-silico analysis, which includes protein predictors and evolutionary conservation, supports a deleterious effect. Based on currently available evidence, it is unclear whether ATM Lys92Thr is a pathogenic or benign variant. We consider it to be a variant of uncertain significance.

Natera, Inc.
Classification: Uncertain significance for Ataxia-telangiectasia. Last evaluated: 2020-09-16. Review status: no assertion criteria provided. Collection method: clinical testing. Allele origin: germline. Not counted in ClinVar's aggregate classification.

ITMI
No classification provided. Condition: AllHighlyPenetrant. Last evaluated: 2013-09-19. Review status: no classification provided. Collection method: reference population. Allele origin: germline. Not counted in ClinVar's aggregate classification.
Comment: Please see associated publication for description of ethnicities

Literature cited by the submitters: PubMed 24728327 (cited by 4 submitters); PubMed 28580595 (cited by 3 submitters); PubMed 30287823 (cited by 4 submitters); PubMed 36243179 (cited by Women's Health and Genetics/Laboratory Corporation of America, LabCorp); PubMed 30093976 (cited by Sema4 and Ambry Genetics); PubMed 32980694 (cited by Sema4).

NM_000051.4(ATM):c.275A>C (p.Lys92Thr)

Gene: ATM (ATM serine/threonine kinase; plus strand). Cytogenetic location: 11q22.3.
Variant type: single nucleotide variant.
Coding change: c.275A>C on transcript NM_000051.4 (MANE Select); coding-DNA position 275, A replaced by C.
Protein change: p.Lys92Thr; replaces lysine 92 with threonine.
Molecular consequence: missense variant.
Genome position (GRCh38, 1-based): chr11:108,229,267, A>C. VCF-style: chr11-108229267-A-C. GRCh37 (hg19) VCF-style: chr11-108099994-A-C.
Other names: NM_000051.4(ATM):c.275A>C; p.Lys92Thr; c.275A>C, p.Lys92Thr (NM_001351834.2, NM_001351835.2, NM_001351836.2); short protein forms K92T.
Identifiers: ClinVar variation 133625 (VCV000133625.34), dbSNP rs200151849, ClinGen allele CA157141.